The following is an entry in ClinVar:

NM_001271.4(CHD2):c.3455+9A>C

Gene: CHD2 (chromodomain helicase DNA binding protein 2; plus strand). Cytogenetic location: 15q26.1.
Variant type: single nucleotide variant.
Coding change: c.3455+9A>C on transcript NM_001271.4 (MANE Select); 9 bases into the intron after coding-DNA position 3455, A replaced by C.
Molecular consequence: intron variant.
Genome position (GRCh38, 1-based): chr15:92,991,526, A>C. VCF-style: chr15-92991526-A-C. GRCh37 (hg19) VCF-style: chr15-93534756-A-C.
Identifiers: ClinVar variation 517986 (VCV000517986.11), dbSNP rs199958087, ClinGen allele CA7748217.

ClinVar aggregate classification (germline): Likely benign. Review status: criteria provided, multiple submitters, no conflicts (2 of 4 stars). 3 submissions from 3 submitters: Likely benign (3). Last evaluated 2025-10-11.

Conditions:
Developmental and epileptic encephalopathy 94 (DEE94). Also called: Epileptic encephalopathy, childhood-onset; CHD2-Related Neurodevelopmental Disorders. Identifiers: Orphanet 1942, Orphanet 2382, MedGen C3809278, MONDO:0014150, OMIM 615369.

Allele frequency attached by ClinVar (database versions not stated): gnomAD 0.00001; ExAC 0.00002; TOPMed 0.00006.
gnomAD v4.1: 20 of 1,597,714 alleles (0.0013%); highest among the groups gnomAD compares: Admixed American, 0.019%; no homozygotes.

Submissions (3):

Labcorp Genetics (formerly Invitae), Labcorp
Classification: Likely benign for Developmental and epileptic encephalopathy 94. Last evaluated: 2025-10-11. Review status: criteria provided, single submitter. Criteria: Invitae Variant Classification Sherloc (09022015). Collection method: clinical testing. Allele origin: germline.

Blueprint Genetics
Classification: Likely benign. Last evaluated: 2021-08-09. Review status: criteria provided, single submitter. Criteria: ACMG Guidelines, 2015. Collection method: clinical testing. Allele origin: germline.

GeneDx
Classification: Likely benign. Last evaluated: 2017-06-09. Review status: criteria provided, single submitter. Criteria: GeneDx Variant Classification (06012015). Collection method: clinical testing. Allele origin: germline. Affected: yes.
Comment: This variant is considered likely benign or benign based on one or more of the following criteria: it is a conservative change, it occurs at a poorly conserved position in the protein, it is predicted to be benign by multiple in silico algorithms, and/or has population frequency not consistent with disease.